The following is an entry in ClinVar:

NM_032608.7(MYO18B):c.994C>T (p.Gln332Ter)

Gene: MYO18B (myosin XVIIIB; plus strand). Cytogenetic location: 22q12.1.
Variant type: single nucleotide variant.
Coding change: c.994C>T on transcript NM_032608.7 (MANE Select); coding-DNA position 994, C replaced by T.
Protein change: p.Gln332Ter; replaces glutamine 332 with a stop codon.
Molecular consequence: nonsense.
Genome position (GRCh38, 1-based): chr22:25,768,910, C>T. VCF-style: chr22-25768910-C-T. GRCh37 (hg19) VCF-style: chr22-26164877-C-T.
Other names: c.994C>T, p.Gln332Ter (NM_001318245.2); short protein forms Q332*.
Identifiers: ClinVar variation 4778175 (VCV004778175.1).

ClinVar aggregate classification (germline): Pathogenic (1 of 4 stars; one submission).

gnomAD v4.1: 4 of 1,612,620 alleles (0.00025%); highest among the groups gnomAD compares: East Asian, 0.0022%; no homozygotes.

Submission:

Labcorp Genetics (formerly Invitae), Labcorp
Classification: Pathogenic. Last evaluated: 2025-10-01. Review status: criteria provided, single submitter. Criteria: Invitae Variant Classification Sherloc (09022015). Collection method: clinical testing. Allele origin: germline.
Comment: This sequence change creates a premature translational stop signal (p.Gln332*) in the MYO18B gene. It is expected to result in an absent or disrupted protein product. Loss-of-function variants in MYO18B are known to be pathogenic (PMID: 25748484, 32184166, 32637634). This variant is not present in population databases (gnomAD no frequency). This variant has not been reported in the literature in individuals affected with MYO18B-related conditions. For these reasons, this variant has been classified as Pathogenic.

Literature cited by the submitters: PubMed 25748484; PubMed 32184166; PubMed 32637634.